The following is an entry in ClinVar:

ClinVar aggregate classification (germline): Pathogenic (1 of 4 stars; one submission).

Conditions:
Charcot-Marie-Tooth disease axonal type 2O. Also called: CHARCOT-MARIE-TOOTH NEUROPATHY, AXONAL, TYPE 2O; CHARCOT-MARIE-TOOTH DISEASE, AXONAL, AUTOSOMAL DOMINANT, TYPE 2O; Charcot-Marie-Tooth Neuropathy Type 2O; Charcot-Marie-Tooth disease, axonal, type 20. Identifiers: Orphanet 284232, MedGen C3280220, MONDO:0013644, OMIM 614228.

Submission:

Labcorp Genetics (formerly Invitae), Labcorp
Classification: Pathogenic for Charcot-Marie-Tooth disease axonal type 2O. Last evaluated: 2025-06-24. Review status: criteria provided, single submitter. Criteria: Invitae Variant Classification Sherloc (09022015). Collection method: clinical testing. Allele origin: germline.
Comment: This sequence change falls in intron 11 of the DYNC1H1 gene. It does not directly change the encoded amino acid sequence of the DYNC1H1 protein. This variant is not present in population databases (gnomAD no frequency). This variant has been observed in individual(s) with DYNC1H1-related condition (internal data). In at least one individual the variant was observed to be de novo. Algorithms developed to predict the effect of sequence changes on RNA splicing suggest that this variant may disrupt the consensus splice site. For these reasons, this variant has been classified as Pathogenic.

NM_001376.5(DYNC1H1):c.3016-11T>A

Gene: DYNC1H1 (dynein cytoplasmic 1 heavy chain 1; plus strand). Cytogenetic location: 14q32.31.
Variant type: single nucleotide variant.
Coding change: c.3016-11T>A on transcript NM_001376.5 (MANE Select); 11 bases into the intron before coding-DNA position 3016, T replaced by A.
Molecular consequence: intron variant.
Genome position (GRCh38, 1-based): chr14:101,994,173, T>A. VCF-style: chr14-101994173-T-A. GRCh37 (hg19) VCF-style: chr14-102460510-T-A.
Identifiers: ClinVar variation 4718392 (VCV004718392.1).
Genomic context (GRCh38, chr14:101,994,173, plus strand): 5'-AGTAAAAGGTGACACTTAGATTACCATTTTCATATACACTGCTTGCATTCATTTCGGCTT[T>A]GGTTGGCTAGGTGGGTGTACATTACGAATTGACTGAGGAAGAGAAATTCTATCGGAATGC-3'